The following is an entry in ClinVar:

NM_000744.7(CHRNA4):c.4G>C (p.Glu2Gln)

Genes: CHRNA4 (cholinergic receptor nicotinic alpha 4 subunit; minus strand), LOC100130587 (uncharacterized LOC100130587; plus strand). Cytogenetic location: 20q13.33.
Variant type: single nucleotide variant.
Coding change: c.4G>C on transcript NM_000744.7 (MANE Select); coding-DNA position 4, G replaced by C.
Protein change: p.Glu2Gln; replaces glutamic acid 2 with glutamine.
Molecular consequence: missense variant. On other transcripts: non-coding transcript variant (1), intron variant (1).
Genome position (GRCh38, 1-based): chr20:63,361,162, C>G on the plus strand (G>C on the coding strand, the complement: CHRNA4 is on the minus strand). VCF-style: chr20-63361162-C-G. GRCh37 (hg19) VCF-style: chr20-61992514-C-G.
Other names: c.-471+15G>C (NM_001256573.2); short protein forms E2Q.
Identifiers: ClinVar variation 1412214 (VCV001412214.6), dbSNP rs2145412501, ClinGen allele CA409645080.

ClinVar aggregate classification (germline): Uncertain significance (1 of 4 stars; one submission).

Conditions:
Familial sleep-related hypermotor epilepsy. Also called: Autosomal Dominant Sleep-Related Hypermotor (Hyperkinetic) Epilepsy. Identifiers: Orphanet 98784, MedGen C3696898, MONDO:0000030.

Submission:

Labcorp Genetics (formerly Invitae), Labcorp
Classification: Uncertain significance. Last evaluated: 2022-02-18. Review status: criteria provided, single submitter. Criteria: Invitae Variant Classification Sherloc (09022015). Collection method: clinical testing. Allele origin: germline.
Comment: In summary, the available evidence is currently insufficient to determine the role of this variant in disease. Therefore, it has been classified as a Variant of Uncertain Significance. Algorithms developed to predict the effect of missense changes on protein structure and function are either unavailable or do not agree on the potential impact of this missense change (SIFT: "Tolerated"; PolyPhen-2: "Not Available"; Align-GVGD: "Class C0"). This variant has not been reported in the literature in individuals affected with CHRNA4-related conditions. This variant is not present in population databases (gnomAD no frequency). This sequence change replaces glutamic acid, which is acidic and polar, with glutamine, which is neutral and polar, at codon 2 of the CHRNA4 protein (p.Glu2Gln).